The following is an entry in ClinVar:

NM_000540.3(RYR1):c.4293+199A>G

Gene: RYR1 (ryanodine receptor 1; plus strand). Cytogenetic location: 19q13.2.
Variant type: single nucleotide variant.
Coding change: c.4293+199A>G on transcript NM_000540.3 (MANE Select); 199 bases into the intron after coding-DNA position 4293, A replaced by G.
Molecular consequence: intron variant.
Genome position (GRCh38, 1-based): chr19:38,475,649, A>G. VCF-style: chr19-38475649-A-G. GRCh37 (hg19) VCF-style: chr19-38966289-A-G.
Other names: c.4293+199A>G (NM_001042723.2).
Identifiers: ClinVar variation 669190 (VCV000669190.1), dbSNP rs59112185, ClinGen allele CA308083036.

ClinVar aggregate classification (germline): Benign (1 of 4 stars; one submission).

Allele frequency attached by ClinVar (database versions not stated): gnomAD 0.03683 and 0.03935; TOPMed 0.04302; 1000 Genomes Project 0.04353; 1000 Genomes Project 30x 0.04497.
gnomAD v4.1: 5,560 of 152,250 alleles (3.7%); highest among the groups gnomAD compares: African/African-American, 13%; 329 homozygotes.

Submission:

GeneDx
Classification: Benign. Last evaluated: 2018-06-19. Review status: criteria provided, single submitter. Criteria: GeneDx Variant Classification (06012015). Collection method: clinical testing. Allele origin: germline. Affected: yes.
Comment: This variant is considered likely benign or benign based on one or more of the following criteria: it is a conservative change, it occurs at a poorly conserved position in the protein, it is predicted to be benign by multiple in silico algorithms, and/or has population frequency not consistent with disease.